The following is an entry in ClinVar:

ClinVar aggregate classification (germline): Pathogenic. Review status: criteria provided, multiple submitters, no conflicts (2 of 4 stars). 5 submissions from 5 submitters: Pathogenic (5). Last evaluated 2026-08-31.

Conditions:
MYBPC3-related disorder. Also called: MYBPC3-related disorders; MYBPC3-related condition; MYBPC3-related disease.
Cardiovascular phenotype. Identifiers: MedGen CN230736.
Hypertrophic cardiomyopathy 4. Also called: Familial hypertrophic cardiomyopathy 4. Identifiers: MedGen C1861862, MONDO:0007268, OMIM 115197.
Left ventricular noncompaction 10 (LVNC10). Identifiers: Orphanet 154, Orphanet 54260, MedGen C3715165, MONDO:0014163, OMIM 615396.
Hypertrophic cardiomyopathy. Also called: HYPERTROPHIC MYOCARDIOPATHY. Identifiers: Orphanet 217569, MedGen C0007194, MeSH D002312, MONDO:0005045, HP:0001639.

Submissions (5):

PreventionGenetics, part of Exact Sciences
Classification: Pathogenic for MYBPC3-related condition. Last evaluated: 2026-08-31. Review status: criteria provided, single submitter. Criteria: ACMG Guidelines, 2015. Collection method: clinical testing. Allele origin: germline.
Comment: The MYBPC3 c.2511delC variant is predicted to result in a frameshift and premature protein termination (p.Ile837Metfs*42). This variant has not been reported in the literature or in a large population database (gnomAD), indicating this variant is rare. This variant is interpreted as pathogenic by multiple labs in ClinVar (Variation ID: 181080). Frameshift variants in MYBPC3 are expected to be pathogenic. This variant is interpreted as pathogenic.

Labcorp Genetics (formerly Invitae), Labcorp
Classification: Pathogenic for Hypertrophic cardiomyopathy. Last evaluated: 2025-12-20. Review status: criteria provided, single submitter. Criteria: Invitae Variant Classification Sherloc (09022015). Collection method: clinical testing. Allele origin: germline.
Comment: This sequence change creates a premature translational stop signal (p.Ile837Metfs*42) in the MYBPC3 gene. It is expected to result in an absent or disrupted protein product. Loss-of-function variants in MYBPC3 are known to be pathogenic (PMID: 19574547). This variant is not present in population databases (gnomAD no frequency). This variant has not been reported in the literature in individuals affected with MYBPC3-related conditions. ClinVar contains an entry for this variant (Variation ID: 181080). For these reasons, this variant has been classified as Pathogenic.

Ambry Genetics
Classification: Pathogenic for Cardiovascular phenotype. Last evaluated: 2023-12-12. Review status: criteria provided, single submitter. Criteria: Ambry Variant Classification Scheme 2023. Collection method: clinical testing. Allele origin: germline.
Comment: The c.2511delC pathogenic mutation, located in coding exon 25 of the MYBPC3 gene, results from a deletion of one nucleotide at nucleotide position 2511, causing a translational frameshift with a predicted alternate stop codon (p.I837Mfs*42). This variant is considered to be rare based on population cohorts in the Genome Aggregation Database (gnomAD). This alteration is expected to result in loss of function by premature protein truncation or nonsense-mediated mRNA decay. As such, this alteration is interpreted as a disease-causing mutation.

GeneDx
Classification: Pathogenic. Last evaluated: 2023-12-11. Review status: criteria provided, single submitter. Criteria: GeneDx Variant Classification Process June 2021. Collection method: clinical testing. Allele origin: germline. Affected: yes.
Comment: Has not been previously published as pathogenic or benign to our knowledge; Frameshift variant predicted to result in protein truncation or nonsense mediated decay in a gene for which loss-of-function is a known mechanism of disease; Reported in ClinVar as pathogenic by another clinical laboratory (ClinVar Variant ID# 181080; ClinVar); Not observed at significant frequency in large population cohorts (gnomAD)

Fulgent Genetics
Classification: Pathogenic for Hypertrophic cardiomyopathy 4; Left ventricular noncompaction 10. Last evaluated: 2021-12-27. Review status: criteria provided, single submitter. Criteria: ACMG Guidelines, 2015. Collection method: clinical testing. Allele origin: unknown.

Literature cited by the submitters: PubMed 19574547 (cited by Labcorp Genetics (formerly Invitae), Labcorp).

NM_000256.3(MYBPC3):c.2511del (p.Ile837fs)

Gene: MYBPC3 (myosin binding protein C3; minus strand). Cytogenetic location: 11p11.2.
Variant type: Deletion.
Coding change: c.2511del on transcript NM_000256.3 (MANE Select); coding-DNA position 2511, one base deleted (C; older notation c.2511delC).
Protein change: p.Ile837fs; shifts the reading frame from isoleucine 837.
Molecular consequence: frameshift variant.
Genome position (GRCh38, 1-based): chr11:47,337,482, G deleted on the plus strand (C on the coding strand, the reverse complement: MYBPC3 is on the minus strand). VCF-style (leftmost placement, unchanged base first): chr11-47337481-CG-C. GRCh37 (hg19) VCF-style: chr11-47359032-CG-C.
Other names: c.2511delC (NM_000256.3); c.2511del, p.Ile837fs (LRG_386t1); short protein forms I837fs.
Identifiers: ClinVar variation 181080 (VCV000181080.14), dbSNP rs730880653, ClinGen allele CA012413.